The following is an entry in ClinVar:

NM_003242.6(TGFBR2):c.77C>T (p.Pro26Leu)

Gene: TGFBR2 (transforming growth factor beta receptor 2; plus strand). Cytogenetic location: 3p24.1.
Variant type: single nucleotide variant.
Coding change: c.77C>T on transcript NM_003242.6 (MANE Select); coding-DNA position 77, C replaced by T.
Protein change: p.Pro26Leu; replaces proline 26 with leucine.
Molecular consequence: missense variant. On other transcripts: intron variant (2), 5 prime UTR variant (4).
Genome position (GRCh38, 1-based): chr3:30,606,960, C>T. VCF-style: chr3-30606960-C-T. GRCh37 (hg19) VCF-style: chr3-30648452-C-T.
Other names: c.-12+367C>T (NM_001407129.1, NM_001407132.1); c.77C>T, p.Pro26Leu (NM_001407127.1, NM_001407130.1, NM_001407137.1 and 4 more transcripts); c.-207C>T (NM_001407133.1); c.-85C>T (NM_001407134.1); c.-132C>T (NM_001407135.1); c.-217C>T (NM_001407136.1); short protein forms P26L.
Identifiers: ClinVar variation 3001809 (VCV003001809.4), dbSNP rs2125438811, ClinGen allele CA351830609.
Genomic context (GRCh38, chr3:30,606,960, plus strand): 5'-TCAGGGGCCTGTGGCCGCTGCACATCGTCCTGTGGACGCGTATCGCCAGCACGATCCCAC[C>T]GCACGTTCAGAAGTCGGGTGAGTGGTCCCCAGCCCGGGCTCGGCGGGGCGCCGGGGGTCT-3'
Protein context (NP_003233.4, residues 16-36): LWTRIASTIP[Pro26Leu]HVQKSVNNDM

ClinVar aggregate classification (germline): Uncertain significance. Review status: criteria provided, multiple submitters, no conflicts (2 of 4 stars). 2 submissions from 2 submitters: Uncertain significance (2). Last evaluated 2023-03-09.

Conditions:
Familial thoracic aortic aneurysm and aortic dissection (TAAD). Also called: Thoracic aortic aneurysms and dissections. Identifiers: Orphanet 91387, MedGen C4707243, MONDO:0019625.
Loeys-Dietz syndrome 2 (LDS2). Also called: TGFBR2-Related Loeys-Dietz Syndrome; MARFAN SYNDROME, TYPE II; AORTIC ANEURYSM, FAMILIAL THORACIC 3; Marfan Syndrome type 2; Marfan like connective tissue disorder; MFS 2. Identifiers: Orphanet 284973, Orphanet 558, MedGen C2674574, MONDO:0012427, OMIM 610168.

gnomAD v4.1: 1 of 1,601,176 alleles (0.000062%); no homozygotes.

Submissions (2):

All of Us Research Program, National Institutes of Health
Classification: Uncertain significance for Loeys-Dietz syndrome 2. Last evaluated: 2023-03-09. Review status: criteria provided, single submitter. Criteria: ACMG Guidelines, 2015. Collection method: clinical testing. Allele origin: germline. Inheritance: Autosomal dominant inheritance. Observed: 1 variant allele, 1 heterozygote.
Comment: This missense variant replaces proline with leucine at codon 26 of the TGFBR2 protein. Computational prediction suggests that this variant may not impact protein structure and function (internally defined REVEL score threshold <= 0.5, PMID: 27666373). To our knowledge, functional studies have not been reported for this variant. This variant has not been reported in individuals affected with TGFBR2-related disorders in the literature. This variant has not been identified in the general population by the Genome Aggregation Database (gnomAD). The available evidence is insufficient to determine the role of this variant in disease conclusively. Therefore, this variant is classified as a Variant of Uncertain Significance.

This study involves interpretation of variants in research participants for the purpose of population health screening. Participant phenotype was not available at the time of variant classification. Additional details can be found in publication PMID: 35346344, PMCID: PMC8962531

Labcorp Genetics (formerly Invitae), Labcorp
Classification: Uncertain significance for Familial thoracic aortic aneurysm and aortic dissection. Last evaluated: 2022-12-05. Review status: criteria provided, single submitter. Criteria: Invitae Variant Classification Sherloc (09022015). Collection method: clinical testing. Allele origin: germline.
Comment: This variant is not present in population databases (gnomAD no frequency). This variant has not been reported in the literature in individuals affected with TGFBR2-related conditions. Advanced modeling of protein sequence and biophysical properties (such as structural, functional, and spatial information, amino acid conservation, physicochemical variation, residue mobility, and thermodynamic stability) performed at Invitae indicates that this missense variant is not expected to disrupt TGFBR2 protein function. In summary, the available evidence is currently insufficient to determine the role of this variant in disease. Therefore, it has been classified as a Variant of Uncertain Significance. This sequence change replaces proline, which is neutral and non-polar, with leucine, which is neutral and non-polar, at codon 26 of the TGFBR2 protein (p.Pro26Leu).